The following is an entry in ClinVar:

NM_001875.5(CPS1):c.236+4A>G

Gene: CPS1 (carbamoyl-phosphate synthase 1; plus strand). Cytogenetic location: 2q34.
Variant type: single nucleotide variant.
Coding change: c.236+4A>G on transcript NM_001875.5 (MANE Select); 4 bases into the intron after coding-DNA position 236, A replaced by G.
Molecular consequence: intron variant.
Genome position (GRCh38, 1-based): chr2:210,573,411, A>G. VCF-style: chr2-210573411-A-G. GRCh37 (hg19) VCF-style: chr2-211438135-A-G.
Other names: c.236+4A>G (NM_001369257.1, NM_001122633.3); c.269+4A>G (NM_001369256.1).
Identifiers: ClinVar variation 2584543 (VCV002584543.1), dbSNP rs2469078388, ClinGen allele CA2582342131.

ClinVar aggregate classification (germline): Likely pathogenic (1 of 4 stars; one submission).

Conditions:
Congenital hyperammonemia, type I. Also called: CPS I DEFICIENCY; Carbamoyl phosphate synthetase 1 deficiency; Hyperammonemia due to carbamoyl phosphate synthetase 1 deficiency; CPS 1 deficiency; Carbamyl phosphate synthetase (CPS) deficiency; Carbamoyl phosphate synthetase I deficiency disease. Identifiers: Orphanet 147, MedGen C4082171, MONDO:0009376, OMIM 237300.

Submission:

Institute of Medical Genetics and Genomics, Sir Ganga Ram Hospital
Classification: Likely pathogenic for Congenital hyperammonemia, type I. Last evaluated: 2023-10-19. Review status: criteria provided, single submitter. Criteria: ACMG Guidelines, 2015. Collection method: clinical testing. Allele origin: germline. Inheritance: Autosomal recessive inheritance. Affected: yes. Observed: 1 homozygote.
Comment: Serum Amonia : 683 umol/L, high ornithine. This nucleotide change is absent from gnomAD population database [PM2]. In-silico predictions (dbscSNV, SpliceAI) favor a deleterious nature of this variant [PP3]. To our knowledge, this variant does not have a Clinvar Entry. m-RNA studies performed on the blood confirmed exon skipping due to intron variant. Based on the clinical correlation and investigation, this variants is classified as "Likely Pathogenic"